The following is an entry in ClinVar:

NM_001190274.2(FBXO11):c.1358A>G (p.His453Arg)

Gene: FBXO11 (F-box protein 11; minus strand). Cytogenetic location: 2p16.3.
Variant type: single nucleotide variant.
Coding change: c.1358A>G on transcript NM_001190274.2 (MANE Select); coding-DNA position 1358, A replaced by G.
Protein change: p.His453Arg; replaces histidine 453 with arginine.
Molecular consequence: missense variant.
Genome position (GRCh38, 1-based): chr2:47,832,389, T>C on the plus strand (A>G on the coding strand, the complement: FBXO11 is on the minus strand). VCF-style: chr2-47832389-T-C. GRCh37 (hg19) VCF-style: chr2-48059528-T-C.
Other names: c.1106A>G, p.His369Arg (NM_001374325.1, NM_025133.4); c.1358A>G (NM_001190274.1); short protein forms H369R, H453R.
Identifiers: ClinVar variation 3233907 (VCV003233907.3), dbSNP rs781172158, ClinGen allele CA1649861.

ClinVar aggregate classification (germline): Uncertain significance. Review status: criteria provided, multiple submitters, no conflicts (2 of 4 stars). 2 submissions from 2 submitters: Uncertain significance (2). Last evaluated 2025-04-08.

Allele frequency attached by ClinVar (database versions not stated): gnomAD exomes below 0.00001; ExAC 0.00001.
gnomAD v4.1: 1 of 1,613,544 alleles (0.000062%); highest among the groups gnomAD compares: Non-Finnish European, 0.000085%; no homozygotes.

Submissions (2):

GeneDx
Classification: Uncertain significance. Last evaluated: 2025-04-08. Review status: criteria provided, single submitter. Criteria: GeneDx Variant Classification Process June 2021. Collection method: clinical testing. Allele origin: germline. Affected: yes.
Comment: Not observed at significant frequency in large population cohorts (gnomAD); In silico analysis supports that this missense variant has a deleterious effect on protein structure/function; Has not been previously published as pathogenic or benign to our knowledge

Women's Health and Genetics/Laboratory Corporation of America, LabCorp
Classification: Uncertain significance. Last evaluated: 2024-03-18. Review status: criteria provided, single submitter. Criteria: LabCorp Variant Classification Summary - May 2015. Collection method: clinical testing. Allele origin: germline.
Comment: Variant summary: FBXO11 c.1358A>G (p.His453Arg) results in a non-conservative amino acid change located in the Carbohydrate-binding/sugar hydrolysis domain (IPR006633) of the encoded protein sequence. Five of five in-silico tools predict a damaging effect of the variant on protein function. The variant allele was found at a frequency of 4e-06 in 250836 control chromosomes. The available data on variant occurrences in the general population are insufficient to allow any conclusion about variant significance. To our knowledge, no occurrence of c.1358A>G in individuals affected with Intellectual Developmental Disorder With Dysmorphic Facies And Behavioral Abnormalities and no experimental evidence demonstrating its impact on protein function have been reported. No submitters have cited clinical-significance assessments for this variant to ClinVar. Based on the evidence outlined above, the variant was classified as uncertain significance.